The following is an entry in ClinVar:

NM_022124.6(CDH23):c.3566G>A (p.Arg1189Gln)

Genes: C10orf105 (chromosome 10 open reading frame 105; minus strand), CDH23 (cadherin related 23; plus strand). Cytogenetic location: 10q22.1.
Variant type: single nucleotide variant.
Coding change: c.3566G>A on transcript NM_022124.6 (MANE Select); coding-DNA position 3566, G replaced by A.
Protein change: p.Arg1189Gln; replaces arginine 1189 with glutamine.
Molecular consequence: missense variant. On other transcripts: intron variant (1).
Genome position (GRCh38, 1-based): chr10:71,725,507, G>A. VCF-style: chr10-71725507-G-A. GRCh37 (hg19) VCF-style: chr10-73485264-G-A.
Other names: c.3566G>A, p.Arg1189Gln (NM_001171930.2); c.-5-9165C>T (NM_001168390.2); short protein forms R1189Q.
Identifiers: ClinVar variation 1346877 (VCV001346877.4), dbSNP rs876657755, ClinGen allele CA209477950.

ClinVar aggregate classification (germline): Uncertain significance (1 of 4 stars; one submission).

Allele frequency attached by ClinVar (database versions not stated): gnomAD exomes 0.00001; gnomAD 0.00001.
gnomAD v4.1: 14 of 1,613,204 alleles (0.00087%); highest among the groups gnomAD compares: South Asian, 0.0033%; no homozygotes.

Submission:

Labcorp Genetics (formerly Invitae), Labcorp
Classification: Uncertain significance. Last evaluated: 2022-08-16. Review status: criteria provided, single submitter. Criteria: Invitae Variant Classification Sherloc (09022015). Collection method: clinical testing. Allele origin: germline.
Comment: This sequence change replaces arginine, which is basic and polar, with glutamine, which is neutral and polar, at codon 1189 of the CDH23 protein (p.Arg1189Gln). This variant is present in population databases (no rsID available, gnomAD 0.003%). This variant has not been reported in the literature in individuals affected with CDH23-related conditions. ClinVar contains an entry for this variant (Variation ID: 1346877). Algorithms developed to predict the effect of missense changes on protein structure and function are either unavailable or do not agree on the potential impact of this missense change (SIFT: "Deleterious"; PolyPhen-2: "Not Available"; Align-GVGD: "Class C35"). Algorithms developed to predict the effect of sequence changes on RNA splicing suggest that this variant may create or strengthen a splice site. In summary, the available evidence is currently insufficient to determine the role of this variant in disease. Therefore, it has been classified as a Variant of Uncertain Significance.